The following is an entry in ClinVar:

NM_003664.5(AP3B1):c.916C>T (p.Pro306Ser)

Gene: AP3B1 (adaptor related protein complex 3 subunit beta 1; minus strand). Cytogenetic location: 5q14.1.
Variant type: single nucleotide variant.
Coding change: c.916C>T on transcript NM_003664.5 (MANE Select); coding-DNA position 916, C replaced by T.
Protein change: p.Pro306Ser; replaces proline 306 with serine.
Molecular consequence: missense variant.
Genome position (GRCh38, 1-based): chr5:78,181,533, G>A on the plus strand (C>T on the coding strand, the complement: AP3B1 is on the minus strand). VCF-style: chr5-78181533-G-A. GRCh37 (hg19) VCF-style: chr5-77477357-G-A.
Other names: c.769C>T, p.Pro257Ser (NM_001271769.2); short protein forms P257S, P306S.
Identifiers: ClinVar variation 963209 (VCV000963209.9), dbSNP rs1456578906, ClinGen allele CA360190244.

ClinVar aggregate classification (germline): Uncertain significance (1 of 4 stars; one submission).

Conditions:
Hermansky-Pudlak syndrome 2 (HPS2). Also called: Platelet defects and oculocutaneous albinism. Identifiers: Orphanet 183678, Orphanet 79430, MedGen C1842362, MONDO:0011997, OMIM 608233.

Allele frequency attached by ClinVar (database versions not stated): TOPMed 0.00002.
gnomAD v4.1: 1 of 1,612,972 alleles (0.000062%); no homozygotes.

Submission:

Labcorp Genetics (formerly Invitae), Labcorp
Classification: Uncertain significance for Hermansky-Pudlak syndrome 2. Last evaluated: 2019-09-30. Review status: criteria provided, single submitter. Criteria: Invitae Variant Classification Sherloc (09022015). Collection method: clinical testing. Allele origin: germline.
Comment: In summary, the available evidence is currently insufficient to determine the role of this variant in disease. Therefore, it has been classified as a Variant of Uncertain Significance. Algorithms developed to predict the effect of missense changes on protein structure and function are either unavailable or do not agree on the potential impact of this missense change (SIFT: "Tolerated"; PolyPhen-2: "Probably Damaging"; Align-GVGD: "Class C0"). This variant has not been reported in the literature in individuals with AP3B1-related conditions. This variant is not present in population databases (ExAC no frequency). This sequence change replaces proline with serine at codon 306 of the AP3B1 protein (p.Pro306Ser). The proline residue is highly conserved and there is a moderate physicochemical difference between proline and serine.